The following is an entry in ClinVar:

ClinVar aggregate classification (germline): Conflicting classifications of pathogenicity. Review status: criteria provided, conflicting classifications (1 of 4 stars). 4 submissions from 4 submitters: Uncertain significance (3); Likely benign (1). Last evaluated 2025-06-09.

Conditions:
Myofibrillar myopathy 5. Also called: Filaminopathy (type); FILAMINOPATHY, AUTOSOMAL DOMINANT. Identifiers: Orphanet 171445, MedGen C1836050, MONDO:0012289, OMIM 609524.
Distal myopathy with posterior leg and anterior hand involvement. Also called: WILLIAMS DISTAL MYOPATHY. Identifiers: Orphanet 63273, MedGen C3279722, MONDO:0013550, OMIM 614065.
Hypertrophic cardiomyopathy 26. Also called: Cardiomyopathy, familial hypertrophic, 26. Identifiers: Orphanet 75249, MedGen C4310749, MONDO:0014883, OMIM 617047.
Cardiovascular phenotype. Identifiers: MedGen CN230736.

Allele frequency attached by ClinVar (database versions not stated): TOPMed 0.00002.
gnomAD v4.1: 8 of 1,614,020 alleles (0.0005%); highest among the groups gnomAD compares: African/African-American, 0.0027%; no homozygotes.

Submissions (4):

Labcorp Genetics (formerly Invitae), Labcorp
Classification: Likely benign for Distal myopathy with posterior leg and anterior hand involvement; Myofibrillar myopathy 5; Hypertrophic cardiomyopathy 26. Last evaluated: 2025-06-09. Review status: criteria provided, single submitter. Criteria: Invitae Variant Classification Sherloc (09022015). Collection method: clinical testing. Allele origin: germline.

GeneDx
Classification: Uncertain significance. Last evaluated: 2023-07-25. Review status: criteria provided, single submitter. Criteria: GeneDx Variant Classification Process June 2021. Collection method: clinical testing. Allele origin: germline. Affected: yes.
Comment: Identified in a patient with unexplained limb-girdle weakness (Topf et al., 2020); Not observed at significant frequency in large population cohorts (gnomAD); In silico analysis supports that this missense variant has a deleterious effect on protein structure/function; This variant is associated with the following publications: (PMID: 32528171)

CeGaT Center for Human Genetics Tuebingen
Classification: Uncertain significance. Last evaluated: 2022-07-01. Review status: criteria provided, single submitter. Criteria: CeGaT Center For Human Genetics Tuebingen Variant Classification Criteria Version 2. Collection method: clinical testing. Allele origin: germline. Affected: yes. Observed: 1 variant allele.

Ambry Genetics
Classification: Uncertain significance for Cardiovascular phenotype. Last evaluated: 2021-02-08. Review status: criteria provided, single submitter. Criteria: Ambry Variant Classification Scheme 2023. Collection method: clinical testing. Allele origin: germline.
Comment: The p.R695P variant (also known as c.2084G>C), located in coding exon 13 of the FLNC gene, results from a G to C substitution at nucleotide position 2084. The arginine at codon 695 is replaced by proline, an amino acid with dissimilar properties. This variant has been detected in a cohort with limb-girdle weakness; however, details were limited (T&ouml;pf A et al. Genet Med, 2020 Sep;22:1478-1488). This amino acid position is well conserved in available vertebrate species. In addition, the in silico prediction for this alteration is inconclusive. Since supporting evidence is limited at this time, the clinical significance of this alteration remains unclear.

Literature cited by the submitters: PubMed 32528171 (cited by Ambry Genetics).

NM_001458.5(FLNC):c.2084G>C (p.Arg695Pro)

Gene: FLNC (filamin C; plus strand). Cytogenetic location: 7q32.1.
Variant type: single nucleotide variant.
Coding change: c.2084G>C on transcript NM_001458.5 (MANE Select); coding-DNA position 2084, G replaced by C.
Protein change: p.Arg695Pro; replaces arginine 695 with proline.
Molecular consequence: missense variant.
Genome position (GRCh38, 1-based): chr7:128,841,530, G>C. VCF-style: chr7-128841530-G-C. GRCh37 (hg19) VCF-style: chr7-128481584-G-C.
Other names: c.2084G>C, p.Arg695Pro (NM_001127487.2); short protein forms R695P.
Identifiers: ClinVar variation 861276 (VCV000861276.33), dbSNP rs766592492, ClinGen allele CA369228083.
Genomic context (GRCh38, chr7:128,841,530, plus strand): 5'-CTGGCCTGGAGCCTACCGGCTGCATCGTGGACAAGCCCGCTGAGTTCACCATTGATGCTC[G>C]TGCAGCTGGCAAGGGAGACCTGAAGCTCTATGCCCAGGTAGGTCATTGTCCAGTCTCTGC-3'
Protein context (NP_001449.3, residues 685-705): DKPAEFTIDA[Arg695Pro]AAGKGDLKLY